The following is an entry in ClinVar:

ClinVar aggregate classification (germline): Uncertain significance (1 of 4 stars; one submission).

Submission:

Labcorp Genetics (formerly Invitae), Labcorp
Classification: Uncertain significance. Last evaluated: 2023-11-12. Review status: criteria provided, single submitter. Criteria: Invitae Variant Classification Sherloc (09022015). Collection method: clinical testing. Allele origin: germline.
Comment: This sequence change replaces leucine, which is neutral and non-polar, with proline, which is neutral and non-polar, at codon 170 of the KCNK4 protein (p.Leu170Pro). This variant is not present in population databases (gnomAD no frequency). This variant has not been reported in the literature in individuals affected with KCNK4-related conditions. An algorithm developed to predict the effect of missense changes on protein structure and function (PolyPhen-2) suggests that this variant is likely to be disruptive. In summary, the available evidence is currently insufficient to determine the role of this variant in disease. Therefore, it has been classified as a Variant of Uncertain Significance.

NM_033310.3(KCNK4):c.509T>C (p.Leu170Pro)

Genes: KCNK4 (potassium two pore domain channel subfamily K member 4; plus strand), KCNK4-CATSPERZ (KCNK4-CATSPERZ readthrough (NMD candidate); plus strand). Cytogenetic location: 11q13.1.
Variant type: single nucleotide variant.
Coding change: c.509T>C on transcript NM_033310.3 (MANE Select); coding-DNA position 509, T replaced by C.
Protein change: p.Leu170Pro; replaces leucine 170 with proline.
Molecular consequence: missense variant. On other transcripts: non-coding transcript variant (1).
Genome position (GRCh38, 1-based): chr11:64,297,501, T>C. VCF-style: chr11-64297501-T-C. GRCh37 (hg19) VCF-style: chr11-64064973-T-C.
Other names: c.509T>C, p.Leu170Pro (NM_001317090.2, NM_033311.1); short protein forms L170P.
Identifiers: ClinVar variation 2695308 (VCV002695308.3), dbSNP rs2495690200, ClinGen allele CA381165623.